The following is an entry in ClinVar:

NM_000093.5(COL5A1):c.5206G>A (p.Ala1736Thr)

Genes: COL5A1 (collagen type V alpha 1 chain; plus strand), LOC101448202 (uncharacterized LOC101448202; minus strand). Cytogenetic location: 9q34.3.
Variant type: single nucleotide variant.
Coding change: c.5206G>A on transcript NM_000093.5 (MANE Select); coding-DNA position 5206, G replaced by A.
Protein change: p.Ala1736Thr; replaces alanine 1736 with threonine.
Molecular consequence: missense variant.
Genome position (GRCh38, 1-based): chr9:134,835,040, G>A. VCF-style: chr9-134835040-G-A. GRCh37 (hg19) VCF-style: chr9-137726886-G-A.
Other names: c.5206G>A, p.Ala1736Thr (NM_001278074.1); c.5206G>A (NM_000093.3); short protein forms A1736T.
Identifiers: ClinVar variation 255097 (VCV000255097.10), dbSNP rs753339980, ClinGen allele CA5320670.

ClinVar aggregate classification (germline): Conflicting classifications of pathogenicity. Review status: criteria provided, conflicting classifications (1 of 4 stars). 5 submissions from 5 submitters: Uncertain significance (3); Benign (1); Likely benign (1). Last evaluated 2025-07-08.

Conditions:
Ehlers-Danlos syndrome, classic type, 1 (EDSCL1). Also called: Ehlers-Danlos syndrome, type 1; EDS I; Ehlers-Danlos Syndrome, Classic Type, COL5A1-Related; EHLERS-DANLOS SYNDROME, GRAVIS TYPE; EHLERS-DANLOS SYNDROME, SEVERE CLASSIC TYPE. Identifiers: MedGen C0268335, MONDO:0019567, OMIM 130000.

Allele frequency attached by ClinVar (database versions not stated): gnomAD exomes below 0.00001; ExAC 0.00001; gnomAD 0.00001; TOPMed 0.00001.
gnomAD v4.1: 33 of 1,613,336 alleles (0.002%); highest among the groups gnomAD compares: Middle Eastern, 0.016%; no homozygotes.

Submissions (5):

Labcorp Genetics (formerly Invitae), Labcorp
Classification: Benign for Ehlers-Danlos syndrome, classic type, 1. Last evaluated: 2025-07-08. Review status: criteria provided, single submitter. Criteria: Invitae Variant Classification Sherloc (09022015). Collection method: clinical testing. Allele origin: germline.

GeneDx
Classification: Uncertain significance. Last evaluated: 2024-01-08. Review status: criteria provided, single submitter. Criteria: GeneDx Variant Classification Process June 2021. Collection method: clinical testing. Allele origin: germline. Affected: yes.
Comment: Has not been previously published as pathogenic or benign to our knowledge; Not observed at significant frequency in large population cohorts (gnomAD); Not located in the triple helical region, where the majority of pathogenic missense variants occur (PMID: 22696272; HGMD); In silico analysis supports that this missense variant does not alter protein structure/function; This variant is associated with the following publications: (PMID: 22696272)

Revvity Omics, Revvity
Classification: Uncertain significance. Last evaluated: 2022-01-19. Review status: criteria provided, single submitter. Criteria: ACMG Guidelines, 2015. Collection method: clinical testing. Allele origin: germline.

Blueprint Genetics
Classification: Uncertain significance. Last evaluated: 2021-05-26. Review status: criteria provided, single submitter. Criteria: ACMG Guidelines, 2015. Collection method: clinical testing. Allele origin: germline.

PreventionGenetics, part of Exact Sciences
Classification: Likely benign. Review status: criteria provided, single submitter. Criteria: ACMG Guidelines, 2015. Collection method: clinical testing. Allele origin: germline.